The following is an entry in ClinVar:

NM_002299.4(LCT):c.4776C>T (p.Gly1592=)

Gene: LCT (lactase; minus strand). Cytogenetic location: 2q21.3.
Variant type: single nucleotide variant.
Coding change: c.4776C>T on transcript NM_002299.4 (MANE Select); coding-DNA position 4776, C replaced by T.
Protein change: p.Gly1592=; no amino-acid change (glycine 1592 retained).
Molecular consequence: synonymous variant.
Genome position (GRCh38, 1-based): chr2:135,800,697, G>A on the plus strand (C>T on the coding strand, the complement: LCT is on the minus strand). VCF-style: chr2-135800697-G-A. GRCh37 (hg19) VCF-style: chr2-136558267-G-A.
Other names: c.4776C>T (NM_002299.3).
Identifiers: ClinVar variation 892987 (VCV000892987.15), dbSNP rs183168007, ClinGen allele CA1887775.

ClinVar aggregate classification (germline): Conflicting classifications of pathogenicity. Review status: criteria provided, conflicting classifications (1 of 4 stars). 4 submissions from 4 submitters: Uncertain significance (1); Benign (1); Likely benign (1). 1 of the submissions does not count toward it. Last evaluated 2025-08-11.

Conditions:
LCT-related disorder. Also called: LCT-related condition.
Congenital lactase deficiency. Also called: ALACTASIA, CONGENITAL; DISACCHARIDE INTOLERANCE II. Identifiers: Orphanet 53690, MedGen C0268179, MONDO:0009115, OMIM 223000.

Allele frequency attached by ClinVar (database versions not stated): ESP Exome Variant Server 0.00015; gnomAD 0.00019 and 0.00021; ExAC 0.00025; 1000 Genomes Project 30x 0.00031; 1000 Genomes Project 0.00040; TOPMed 0.00046.
gnomAD v4.1: 241 of 1,613,846 alleles (0.015%); highest among the groups gnomAD compares: East Asian, 0.22%; no homozygotes.

Submissions (4):

Labcorp Genetics (formerly Invitae), Labcorp
Classification: Benign. Last evaluated: 2025-08-11. Review status: criteria provided, single submitter. Criteria: Invitae Variant Classification Sherloc (09022015). Collection method: clinical testing. Allele origin: germline.

Blueprint Genetics
Classification: Likely benign. Last evaluated: 2024-04-18. Review status: criteria provided, single submitter. Criteria: ACMG Guidelines, 2015. Collection method: clinical testing. Allele origin: germline.

Illumina Laboratory Services, Illumina
Classification: Uncertain significance for Congenital lactase deficiency. Last evaluated: 2018-01-13. Review status: criteria provided, single submitter. Criteria: ICSL Variant Classification Criteria 13 December 2019. Collection method: clinical testing. Allele origin: germline.

PreventionGenetics, part of Exact Sciences
Classification: Likely benign for LCT-related condition. Last evaluated: 2019-08-09. Review status: no assertion criteria provided. Collection method: clinical testing. Allele origin: germline. Not counted in ClinVar's aggregate classification.
Comment: This variant is classified as likely benign based on ACMG/AMP sequence variant interpretation guidelines (Richards et al. 2015 PMID: 25741868, with internal and published modifications).